The following is an entry in ClinVar:

NM_014112.5(TRPS1):c.2823G>A (p.Ser941=)

Gene: TRPS1 (transcriptional repressor GATA binding 1; minus strand). Cytogenetic location: 8q23.3.
Variant type: single nucleotide variant.
Coding change: c.2823G>A on transcript NM_014112.5 (MANE Select); coding-DNA position 2823, G replaced by A.
Protein change: p.Ser941=; no amino-acid change (serine 941 retained).
Molecular consequence: synonymous variant.
Genome position (GRCh38, 1-based): chr8:115,418,330, C>T on the plus strand (G>A on the coding strand, the complement: TRPS1 is on the minus strand). VCF-style: chr8-115418330-C-T. GRCh37 (hg19) VCF-style: chr8-116430558-C-T.
Other names: c.2796G>A, p.Ser932= (NM_001282902.3); c.2802G>A, p.Ser934= (NM_001282903.3); c.2784G>A, p.Ser928= (NM_001330599.2).
Identifiers: ClinVar variation 1368465 (VCV001368465.6), dbSNP rs774932870, ClinGen allele CA4851574.

ClinVar aggregate classification (germline): Uncertain significance (1 of 4 stars; one submission).

Conditions:
Trichorhinophalangeal dysplasia type I (TRPS1). Also called: TRICHORHINOPHALANGEAL SYNDROME, TYPE I; TRPS I. Identifiers: Orphanet 77258, MedGen C0432233, MONDO:0008596, OMIM 190350.
Trichorhinophalangeal syndrome, type III (TRPS3). Also called: SUGIO-KAJII SYNDROME. Identifiers: Orphanet 77258, MedGen C1860823, OMIM 190351, MONDO:0008597.

Allele frequency attached by ClinVar (database versions not stated): gnomAD 0.00001; TOPMed 0.00001; ExAC 0.00002; gnomAD exomes 0.00002.
gnomAD v4.1: 13 of 1,613,916 alleles (0.00081%); highest among the groups gnomAD compares: Admixed American, 0.01%; no homozygotes.

Submission:

Labcorp Genetics (formerly Invitae), Labcorp
Classification: Uncertain significance for Trichorhinophalangeal syndrome, type III; Trichorhinophalangeal dysplasia type I. Last evaluated: 2021-02-26. Review status: criteria provided, single submitter. Criteria: Invitae Variant Classification Sherloc (09022015). Collection method: clinical testing. Allele origin: germline.
Comment: This variant has not been reported in the literature in individuals with TRPS1-related conditions. This variant is present in population databases (rs774932870, ExAC 0.03%). This sequence change affects codon 941 of the TRPS1 mRNA. It is a 'silent' change, meaning that it does not change the encoded amino acid sequence of the TRPS1 protein. This variant also falls at the last nucleotide of exon 6, which is part of the consensus splice site for this exon. In summary, the available evidence is currently insufficient to determine the role of this variant in disease. Therefore, it has been classified as a Variant of Uncertain Significance. Nucleotide substitutions within the consensus splice site are a relatively common cause of aberrant splicing (PMID: 17576681, 9536098). Algorithms developed to predict the effect of sequence changes on RNA splicing suggest that this variant may disrupt the consensus splice site, but this prediction has not been confirmed by published transcriptional studies.

Literature cited by the submitters: PubMed 17576681; PubMed 9536098.